The following is an entry in ClinVar:

ClinVar aggregate classification (germline): Pathogenic (1 of 4 stars; one submission).

Submission:

Labcorp Genetics (formerly Invitae), Labcorp
Classification: Pathogenic. Last evaluated: 2022-04-02. Review status: criteria provided, single submitter. Criteria: Invitae Variant Classification Sherloc (09022015). Collection method: clinical testing. Allele origin: germline.
Comment: This variant is not present in population databases (gnomAD no frequency). This variant has not been reported in the literature in individuals affected with SLC39A4-related conditions. Algorithms developed to predict the effect of sequence changes on RNA splicing suggest that this variant may disrupt the consensus splice site. This sequence change creates a premature translational stop signal (p.Glu417Argfs*26) in the SLC39A4 gene. It is expected to result in an absent or disrupted protein product. Loss-of-function variants in SLC39A4 are known to be pathogenic (PMID: 12955721). For these reasons, this variant has been classified as Pathogenic.

Literature cited by the submitters: PubMed 12955721.

NM_130849.4(SLC39A4):c.1248_1249insA (p.Glu417fs)

Gene: SLC39A4 (solute carrier family 39 member 4; minus strand). Cytogenetic location: 8q24.3.
Variant type: Insertion.
Coding change: c.1248_1249insA on transcript NM_130849.4 (MANE Select); coding-DNA positions 1248 to 1249, A inserted.
Protein change: p.Glu417fs; shifts the reading frame from glutamic acid 417.
Molecular consequence: frameshift variant.
Genome position: GRCh38 VCF-style: chr8-144413996-C-CT. GRCh37 (hg19) VCF-style: chr8-145639380-C-CT.
Other names: c.966_967insA, p.Glu323fs (NM_001374839.1); c.1173_1174insA, p.Glu392fs (NM_017767.3); short protein forms E323fs, E417fs, E392fs.
Identifiers: ClinVar variation 2120845 (VCV002120845.4), dbSNP rs2537430548, ClinGen allele CA2580078703.